The following is an entry in ClinVar:

NM_001377500.1(EFCC1):c.1239A>C (p.Ala413=)

Gene: EFCC1 (EF-hand and coiled-coil domain containing 1; plus strand). Cytogenetic location: 3q21.3.
Variant type: single nucleotide variant.
Coding change: c.1239A>C on transcript NM_001377500.1 (MANE Select); coding-DNA position 1239, A replaced by C.
Protein change: p.Ala413=; no amino-acid change (alanine 413 retained).
Molecular consequence: synonymous variant.
Genome position (GRCh38, 1-based): chr3:129,032,919, A>C. VCF-style: chr3-129032919-A-C. GRCh37 (hg19) VCF-style: chr3-128751762-A-C.
Other names: c.1236A>C, p.Ala412= (NM_024768.3).
Identifiers: ClinVar variation 2654118 (VCV002654118.24), dbSNP rs6772392, ClinGen allele CA2602423.

ClinVar aggregate classification (germline): Likely benign (1 of 4 stars; one submission).

Allele frequency attached by ClinVar (database versions not stated): 1000 Genomes Project 30x 0.00125; 1000 Genomes Project 0.00160; gnomAD 0.00346; ESP Exome Variant Server 0.00350; ExAC 0.00358; TOPMed 0.00377; gnomAD exomes 0.00476.
gnomAD v4.1: 7,132 of 1,550,912 alleles (0.46%); highest among the groups gnomAD compares: Non-Finnish European, 0.56%; 25 homozygotes.

Submission:

CeGaT Center for Human Genetics Tuebingen
Classification: Likely benign. Last evaluated: 2022-03-01. Review status: criteria provided, single submitter. Criteria: CeGaT Center For Human Genetics Tuebingen Variant Classification Criteria Version 2. Collection method: clinical testing. Allele origin: germline. Affected: yes. Observed: 1 variant allele.
Comment: EFCC1: BP4, BP7